The following is an entry in ClinVar:

NM_006431.3(CCT2):c.491G>A (p.Gly164Asp)

Gene: CCT2 (chaperonin containing TCP1 subunit 2; plus strand). Cytogenetic location: 12q15.
Variant type: single nucleotide variant.
Coding change: c.491G>A on transcript NM_006431.3 (MANE Select); coding-DNA position 491, G replaced by A.
Protein change: p.Gly164Asp; replaces glycine 164 with aspartic acid.
Molecular consequence: missense variant.
Genome position (GRCh38, 1-based): chr12:69,589,529, G>A. VCF-style: chr12-69589529-G-A. GRCh37 (hg19) VCF-style: chr12-69983309-G-A.
Other names: c.350G>A, p.Gly117Asp (NM_001198842.2); short protein forms G117D, G164D.
Identifiers: ClinVar variation 2871521 (VCV002871521.3), dbSNP rs774928564, ClinGen allele CA385726366.
Genomic context (GRCh38, chr12:69,589,529, plus strand): 5'-GGTTGGTTTTATTTAGTTCCGATGAAGTTAAATTCCGTCAAGATTTAATGAATATTGCGG[G>A]CACAACATTATCCTCAAAACTTCTTACTCATCACAAAGACCACTTTACAAAGTTAGCTGT-3'
Protein context (NP_006422.1, residues 154-174): KFRQDLMNIA[Gly164Asp]TTLSSKLLTH

ClinVar aggregate classification (germline): Uncertain significance (1 of 4 stars; one submission).

Submission:

Labcorp Genetics (formerly Invitae), Labcorp
Classification: Uncertain significance. Last evaluated: 2023-05-08. Review status: criteria provided, single submitter. Criteria: Invitae Variant Classification Sherloc (09022015). Collection method: clinical testing. Allele origin: germline.
Comment: This sequence change replaces glycine, which is neutral and non-polar, with aspartic acid, which is acidic and polar, at codon 164 of the CCT2 protein (p.Gly164Asp). This variant is not present in population databases (gnomAD no frequency). This variant has not been reported in the literature in individuals affected with CCT2-related conditions. An algorithm developed to predict the effect of missense changes on protein structure and function (PolyPhen-2) suggests that this variant is likely to be tolerated. In summary, the available evidence is currently insufficient to determine the role of this variant in disease. Therefore, it has been classified as a Variant of Uncertain Significance.